The following is an entry in ClinVar:

NM_025132.4(WDR19):c.2329A>G (p.Ile777Val)

Gene: WDR19 (WD repeat domain 19; plus strand). Cytogenetic location: 4p14.
Variant type: single nucleotide variant.
Coding change: c.2329A>G on transcript NM_025132.4 (MANE Select); coding-DNA position 2329, A replaced by G.
Protein change: p.Ile777Val; replaces isoleucine 777 with valine.
Molecular consequence: missense variant.
Genome position (GRCh38, 1-based): chr4:39,234,841, A>G. VCF-style: chr4-39234841-A-G. GRCh37 (hg19) VCF-style: chr4-39236461-A-G.
Other names: c.1849A>G, p.Ile617Val (NM_001317924.2); short protein forms I617V, I777V.
Identifiers: ClinVar variation 809632 (VCV000809632.54), dbSNP rs373737104, ClinGen allele CA2892053.

ClinVar aggregate classification (germline): Uncertain significance. Review status: criteria provided, multiple submitters, no conflicts (2 of 4 stars). 8 submissions from 7 submitters: Uncertain significance (8). Last evaluated 2024-09-09.

Conditions:
Senior-Loken syndrome 8 (SLSN8). Identifiers: Orphanet 3156, MedGen C4225376, MONDO:0014579, OMIM 616307.
Asphyxiating thoracic dystrophy 5 (SRTD5). Also called: SHORT-RIB THORACIC DYSPLASIA 5 WITH OR WITHOUT POLYDACTYLY; SHORT-RIB THORACIC DYSPLASIA 5 WITHOUT POLYDACTYLY. Identifiers: Orphanet 474, MedGen C3280598, MONDO:0013717, OMIM 614376.
Cranioectodermal dysplasia 4 (CED4). Identifiers: Orphanet 1515, MedGen C3280616, MONDO:0013719, OMIM 614378.
Nephronophthisis 13 (NPHP13). Identifiers: Orphanet 655, MedGen C3280612, MONDO:0013718, OMIM 614377.
Spermatogenic failure 72 (SPGF72). Identifiers: MedGen C5676980, MONDO:0030809, OMIM 619867.
Nephronophthisis. Also called: Juvenile Nephronophthisis. Identifiers: Orphanet 655, MedGen C0687120, MONDO:0019005, HP:0000090.
Inborn genetic diseases. Identifiers: MedGen C0950123, MeSH D030342.

Allele frequency attached by ClinVar (database versions not stated): ExAC 0.00009; gnomAD 0.00013; ESP Exome Variant Server 0.00017; gnomAD exomes 0.00017 and 0.00026; TOPMed 0.00022.
gnomAD v4.1: 398 of 1,573,044 alleles (0.025%); highest among the groups gnomAD compares: Non-Finnish European, 0.031%; no homozygotes.

Submissions (8):

Blueprint Genetics
Classification: Uncertain significance. Last evaluated: 2024-09-09. Review status: criteria provided, single submitter. Criteria: ACMG Guidelines, 2015. Collection method: clinical testing. Allele origin: germline.

Fulgent Genetics
Classification: Uncertain significance for Asphyxiating thoracic dystrophy 5; Nephronophthisis 13; Cranioectodermal dysplasia 4; Senior-Loken syndrome 8; Spermatogenic failure 72. Last evaluated: 2024-06-20. Review status: criteria provided, single submitter. Criteria: ACMG Guidelines, 2015. Collection method: clinical testing. Allele origin: germline.

Labcorp Genetics (formerly Invitae), Labcorp
Classification: Uncertain significance for Senior-Loken syndrome 8; Asphyxiating thoracic dystrophy 5. Last evaluated: 2022-10-23. Review status: criteria provided, single submitter. Criteria: Invitae Variant Classification Sherloc (09022015). Collection method: clinical testing. Allele origin: germline.
Comment: This sequence change replaces isoleucine, which is neutral and non-polar, with valine, which is neutral and non-polar, at codon 777 of the WDR19 protein (p.Ile777Val). This variant is present in population databases (rs373737104, gnomAD 0.03%). This variant has not been reported in the literature in individuals affected with WDR19-related conditions. ClinVar contains an entry for this variant (Variation ID: 809632). Advanced modeling of protein sequence and biophysical properties (such as structural, functional, and spatial information, amino acid conservation, physicochemical variation, residue mobility, and thermodynamic stability) has been performed at Invitae for this missense variant, however the output from this modeling did not meet the statistical confidence thresholds required to predict the impact of this variant on WDR19 protein function. In summary, the available evidence is currently insufficient to determine the role of this variant in disease. Therefore, it has been classified as a Variant of Uncertain Significance.

Department of Pathology and Laboratory Medicine, Sinai Health System
Classification: Uncertain significance for Asphyxiating thoracic dystrophy 5; Nephronophthisis 13; Cranioectodermal dysplasia 4; Senior-Loken syndrome 8; Spermatogenic failure 72. Last evaluated: 2021-10-15. Review status: criteria provided, single submitter. Criteria: ACMG Guidelines, 2015. Collection method: research. Allele origin: germline.

Ambry Genetics
Classification: Uncertain significance for Inborn genetic diseases. Last evaluated: 2021-09-09. Review status: criteria provided, single submitter. Criteria: Ambry Variant Classification Scheme 2023. Collection method: clinical testing. Allele origin: germline.

CeGaT Center for Human Genetics Tuebingen
Classification: Uncertain significance. Last evaluated: 2019-05-01. Review status: criteria provided, single submitter. Criteria: CeGaT Center For Human Genetics Tuebingen Variant Classification Criteria Version 2. Collection method: clinical testing. Allele origin: germline. Affected: yes. Observed: 1 variant allele.

Illumina Laboratory Services, Illumina
Classification: Uncertain significance for Cranioectodermal dysplasia 4. Last evaluated: 2018-01-15. Review status: criteria provided, single submitter. Criteria: ICSL Variant Classification Criteria 13 December 2019. Collection method: clinical testing. Allele origin: germline.

Illumina Laboratory Services, Illumina
Classification: Uncertain significance for Asphyxiating thoracic dystrophy 5. Last evaluated: 2018-01-15. Review status: criteria provided, single submitter. Criteria: ICSL Variant Classification Criteria 13 December 2019. Collection method: clinical testing. Allele origin: germline.